The following is an entry in ClinVar:

NM_201596.3(CACNB2):c.1312G>A (p.Asp438Asn)

Gene: CACNB2 (calcium voltage-gated channel auxiliary subunit beta 2; plus strand). Cytogenetic location: 10p12.31.
Variant type: single nucleotide variant.
Coding change: c.1312G>A on transcript NM_201596.3 (MANE Select); coding-DNA position 1312, G replaced by A.
Protein change: p.Asp438Asn; replaces aspartic acid 438 with asparagine.
Molecular consequence: missense variant.
Genome position (GRCh38, 1-based): chr10:18,538,189, G>A. VCF-style: chr10-18538189-G-A. GRCh37 (hg19) VCF-style: chr10-18827118-G-A.
Other names: c.1147G>A, p.Asp383Asn (NM_000724.4); c.1114G>A, p.Asp372Asn (NM_001167945.2); c.1033G>A, p.Asp345Asn (NM_001330060.2); c.1054G>A, p.Asp352Asn (NM_001410882.1); c.1168G>A, p.Asp390Asn (NM_201570.3); c.1228G>A, p.Asp410Asn (NM_201571.4); c.1156G>A, p.Asp386Asn (NM_201572.4); c.1150G>A, p.Asp384Asn (NM_201590.3); and 2 more; short protein forms D352N, D386N, D400N, D410N, D372N, D390N, D438N, D414N.
Identifiers: ClinVar variation 1733990 (VCV001733990.4), dbSNP rs778466195, ClinGen allele CA5430007.
Genomic context (GRCh38, chr10:18,538,189, plus strand): 5'-GGGTGAAAACTGGGCTGGCATCAATGTGGTCTGGAATGTCTGCCTCTGCAGGAGCTGTTC[G>A]ATGTGATCTTGGATGAGAACCAGCTTGAGGATGCCTGTGAGCACCTTGCCGACTATCTGG-3'
Protein context (NP_963890.2, residues 428-448): KLAQCPPELF[Asp438Asn]VILDENQLED

ClinVar aggregate classification (germline): Uncertain significance. Review status: criteria provided, multiple submitters, no conflicts (2 of 4 stars). 2 submissions from 2 submitters: Uncertain significance (2). Last evaluated 2025-08-29.

Conditions:
Brugada syndrome 4 (BRGDA4). Identifiers: Orphanet 130, MedGen C2678477, MONDO:0012743, OMIM 611876.
Cardiovascular phenotype. Identifiers: MedGen CN230736.

Allele frequency attached by ClinVar (database versions not stated): ExAC 0.00001; gnomAD 0.00001; TOPMed 0.00002.
gnomAD v4.1: 11 of 1,613,980 alleles (0.00068%); highest among the groups gnomAD compares: South Asian, 0.0011%; no homozygotes.

Submissions (2):

Ambry Genetics
Classification: Uncertain significance for Cardiovascular phenotype. Last evaluated: 2025-08-29. Review status: criteria provided, single submitter. Criteria: Ambry Variant Classification Scheme 2023. Collection method: clinical testing. Allele origin: germline.

Labcorp Genetics (formerly Invitae), Labcorp
Classification: Uncertain significance for Brugada syndrome 4. Last evaluated: 2023-10-04. Review status: criteria provided, single submitter. Criteria: Invitae Variant Classification Sherloc (09022015). Collection method: clinical testing. Allele origin: germline.
Comment: This sequence change replaces aspartic acid, which is acidic and polar, with asparagine, which is neutral and polar, at codon 384 of the CACNB2 protein (p.Asp384Asn). This variant is present in population databases (rs778466195, gnomAD 0.0009%). This variant has not been reported in the literature in individuals affected with CACNB2-related conditions. ClinVar contains an entry for this variant (Variation ID: 1733990). Advanced modeling of protein sequence and biophysical properties (such as structural, functional, and spatial information, amino acid conservation, physicochemical variation, residue mobility, and thermodynamic stability) performed at Invitae indicates that this missense variant is expected to disrupt CACNB2 protein function. In summary, the available evidence is currently insufficient to determine the role of this variant in disease. Therefore, it has been classified as a Variant of Uncertain Significance.